The following is an entry in ClinVar:

NM_022124.6(CDH23):c.1384C>T (p.Gln462Ter)

Gene: CDH23 (cadherin related 23; plus strand). Cytogenetic location: 10q22.1.
Variant type: single nucleotide variant.
Coding change: c.1384C>T on transcript NM_022124.6 (MANE Select); coding-DNA position 1384, C replaced by T.
Protein change: p.Gln462Ter; replaces glutamine 462 with a stop codon.
Molecular consequence: nonsense.
Genome position (GRCh38, 1-based): chr10:71,646,552, C>T. VCF-style: chr10-71646552-C-T. GRCh37 (hg19) VCF-style: chr10-73406309-C-T.
Other names: c.1384C>T, p.Gln462Ter (NM_001171930.2, NM_001171931.2, NM_052836.4); short protein forms Q462*.
Identifiers: ClinVar variation 4816070 (VCV004816070.1).

ClinVar aggregate classification (germline): Likely pathogenic (1 of 4 stars; one submission).

Conditions:
Usher syndrome type 1 (USH1). Also called: RETINITIS PIGMENTOSA AND CONGENITAL DEAFNESS. Identifiers: Orphanet 231169, Orphanet 886, MedGen C1568247, MONDO:0010168, OMIM 276900.

Submission:

Natera, Inc.
Classification: Likely pathogenic for Usher syndrome type 1. Last evaluated: 2026-01-30. Review status: criteria provided, single submitter. Criteria: Natera Variant Classification Schema (03/2026). Collection method: clinical testing. Allele origin: germline.
Comment: The c.1384C>T variant in CDH23 is a nonsense variant predicted to introduce a stop codon at amino acid 462. This variant is expected to result in nonsense mediated decay, truncation, or a dysfunctional protein product. This variant is rare in the general population with a frequency below the threshold expected for the associated phenotype(s). Given the available evidence, this variant is classified as Likely Pathogenic.